The following is an entry in ClinVar:

NM_206933.4(USH2A):c.4237A>G (p.Met1413Val)

Genes: USH2A (usherin; minus strand), USH2A-AS1 (USH2A antisense RNA 1; plus strand). Cytogenetic location: 1q41.
Variant type: single nucleotide variant.
Coding change: c.4237A>G on transcript NM_206933.4 (MANE Select); coding-DNA position 4237, A replaced by G.
Protein change: p.Met1413Val; replaces methionine 1413 with valine.
Molecular consequence: missense variant.
Genome position (GRCh38, 1-based): chr1:216,196,567, T>C on the plus strand (A>G on the coding strand, the complement: USH2A is on the minus strand). VCF-style: chr1-216196567-T-C. GRCh37 (hg19) VCF-style: chr1-216369909-T-C.
Other names: c.4237A>G, p.Met1413Val (NM_007123.6); short protein forms M1413V.
Identifiers: ClinVar variation 1400242 (VCV001400242.4), dbSNP rs758401969, ClinGen allele CA1395783.

ClinVar aggregate classification (germline): Uncertain significance (1 of 4 stars; one submission).

Allele frequency attached by ClinVar (database versions not stated): gnomAD exomes below 0.00001; ExAC 0.00001.

Submission:

Labcorp Genetics (formerly Invitae), Labcorp
Classification: Uncertain significance. Last evaluated: 2025-03-17. Review status: criteria provided, single submitter. Criteria: Invitae Variant Classification Sherloc (09022015). Collection method: clinical testing. Allele origin: germline.
Comment: This sequence change replaces methionine, which is neutral and non-polar, with valine, which is neutral and non-polar, at codon 1413 of the USH2A protein (p.Met1413Val). This variant is present in population databases (rs758401969, gnomAD 0.003%). This variant has not been reported in the literature in individuals affected with USH2A-related conditions. ClinVar contains an entry for this variant (Variation ID: 1400242). Invitae Evidence Modeling of protein sequence and biophysical properties (such as structural, functional, and spatial information, amino acid conservation, physicochemical variation, residue mobility, and thermodynamic stability) indicates that this missense variant is not expected to disrupt USH2A protein function with a negative predictive value of 95%. In summary, the available evidence is currently insufficient to determine the role of this variant in disease. Therefore, it has been classified as a Variant of Uncertain Significance.